The following is an entry in ClinVar:

NM_004304.5(ALK):c.847C>T (p.Leu283Phe)

Gene: ALK (ALK receptor tyrosine kinase; minus strand). Cytogenetic location: 2p23.2.
Variant type: single nucleotide variant.
Coding change: c.847C>T on transcript NM_004304.5 (MANE Select); coding-DNA position 847, C replaced by T.
Protein change: p.Leu283Phe; replaces leucine 283 with phenylalanine.
Molecular consequence: missense variant.
Genome position (GRCh38, 1-based): chr2:29,694,955, G>A on the plus strand (C>T on the coding strand, the complement: ALK is on the minus strand). VCF-style: chr2-29694955-G-A. GRCh37 (hg19) VCF-style: chr2-29917821-G-A.
Other names: short protein forms L283F.
Identifiers: ClinVar variation 3223930 (VCV003223930.1), dbSNP rs1386680783, ClinGen allele CA346587020.

ClinVar aggregate classification (germline): Uncertain significance (1 of 4 stars; one submission).

Conditions:
Hereditary cancer-predisposing syndrome. Also called: Tumor predisposition; Hereditary neoplastic syndrome; Hereditary Cancer Syndrome; Neoplastic Syndromes, Hereditary. Identifiers: Orphanet 140162, MedGen C0027672, MeSH D009386, MONDO:0015356.

gnomAD v4.1: 1 of 1,614,118 alleles (0.000062%); highest among the groups gnomAD compares: South Asian, 0.0011%; no homozygotes.

Submission:

Ambry Genetics
Classification: Uncertain significance for Hereditary cancer-predisposing syndrome. Last evaluated: 2024-01-27. Review status: criteria provided, single submitter. Criteria: Ambry Variant Classification Scheme 2023. Collection method: clinical testing. Allele origin: germline.
Comment: The p.L283F variant (also known as c.847C>T), located in coding exon 3 of the ALK gene, results from a C to T substitution at nucleotide position 847. The leucine at codon 283 is replaced by phenylalanine, an amino acid with highly similar properties. This amino acid position is conserved. In addition, this alteration is predicted to be tolerated by in silico analysis. Based on the available evidence, the clinical significance of this alteration remains unclear.